The following is an entry in ClinVar:

NM_004521.3(KIF5B):c.2468G>A (p.Gly823Glu)

Genes: KIF5B (kinesin family member 5B; minus strand), LOC126860907 (CDK7 strongly-dependent group 2 enhancer GRCh37_chr10:32306942-32308141; plus strand). Cytogenetic location: 10p11.22.
Variant type: single nucleotide variant.
Coding change: c.2468G>A on transcript NM_004521.3 (MANE Select); coding-DNA position 2468, G replaced by A.
Protein change: p.Gly823Glu; replaces glycine 823 with glutamic acid.
Molecular consequence: missense variant.
Genome position (GRCh38, 1-based): chr10:32,018,128, C>T on the plus strand (G>A on the coding strand, the complement: KIF5B is on the minus strand). VCF-style: chr10-32018128-C-T. GRCh37 (hg19) VCF-style: chr10-32307056-C-T.
Other names: short protein forms G823E.
Identifiers: ClinVar variation 4976251 (VCV004976251.1).

ClinVar aggregate classification (germline): Uncertain significance (1 of 4 stars; one submission).

gnomAD v4.1: 1 of 1,610,090 alleles (0.000062%); highest among the groups gnomAD compares: Non-Finnish European, 0.000085%; no homozygotes.

Submission:

GeneDx
Classification: Uncertain significance. Last evaluated: 2026-02-09. Review status: criteria provided, single submitter. Criteria: GeneDx Variant Classification Process June 2021. Collection method: clinical testing. Allele origin: germline.
Comment: Not observed at significant frequency in large population cohorts (gnomAD); In silico analysis supports that this missense variant has a deleterious effect on protein structure/function; Has not been previously published as pathogenic or benign to our knowledge